The following is an entry in ClinVar:

ClinVar aggregate classification (germline): Uncertain significance. Review status: criteria provided, multiple submitters, no conflicts (2 of 4 stars). 3 submissions from 3 submitters: Uncertain significance (3). Last evaluated 2025-08-22.

Conditions:
Wilms tumor 1 (WT1). Also called: Wilms tumor, somatic. Identifiers: Orphanet 654, MedGen CN033288, MONDO:0008679, OMIM 194070.
Beckwith-Wiedemann syndrome (BWS). Also called: EMG SYNDROME; Exomphalos macroglossia gigantism syndrome. Identifiers: Orphanet 116, MedGen C0004903, MONDO:0007534, OMIM 130650.
Silver-Russell syndrome 1 (SRS1). Also called: Chromosome 7-Related Russell-Silver Syndrome. Identifiers: Orphanet 813, MedGen C5393125, MONDO:0020796, OMIM 180860.
Silver-Russell syndrome 3 (SRS3). Also called: Growth restriction, severe, with distinctive facies. Identifiers: MedGen C4225307, MONDO:0014663, OMIM 616489.
Inborn genetic diseases. Identifiers: MedGen C0950123, MeSH D030342.

Allele frequency attached by ClinVar (database versions not stated): gnomAD 0.00003; TOPMed 0.00005.
gnomAD v4.1: 54 of 1,613,010 alleles (0.0033%); highest among the groups gnomAD compares: Non-Finnish European, 0.0042%; no homozygotes.

Submissions (3):

Ambry Genetics
Classification: Uncertain significance for Inborn genetic diseases. Last evaluated: 2025-08-22. Review status: criteria provided, single submitter. Criteria: Ambry Variant Classification Scheme 2023. Collection method: clinical testing. Allele origin: germline.

Labcorp Genetics (formerly Invitae), Labcorp
Classification: Uncertain significance. Last evaluated: 2023-10-20. Review status: criteria provided, single submitter. Criteria: Invitae Variant Classification Sherloc (09022015). Collection method: clinical testing. Allele origin: germline.
Comment: This sequence change replaces glycine, which is neutral and non-polar, with glutamic acid, which is acidic and polar, at codon 2 of the IGF2 protein (p.Gly2Glu). This variant is present in population databases (rs781634507, gnomAD 0.008%). This variant has not been reported in the literature in individuals affected with IGF2-related conditions. Algorithms developed to predict the effect of missense changes on protein structure and function output the following: SIFT: "Not Available"; PolyPhen-2: "Benign"; Align-GVGD: "Not Available". The glutamic acid amino acid residue is found in multiple mammalian species, which suggests that this missense change does not adversely affect protein function. In summary, the available evidence is currently insufficient to determine the role of this variant in disease. Therefore, it has been classified as a Variant of Uncertain Significance.

Department of Pathology and Laboratory Medicine, Sinai Health System
Classification: Uncertain significance for Beckwith-Wiedemann syndrome; Silver-Russell syndrome 1; Wilms tumor 1; Silver-Russell syndrome 3. Last evaluated: 2023-06-13. Review status: criteria provided, single submitter. Criteria: ACMG Guidelines, 2015. Collection method: research. Allele origin: germline.

NM_000612.6(IGF2):c.5G>A (p.Gly2Glu)

Genes: IGF2 (insulin like growth factor 2; minus strand), INS-IGF2 (INS-IGF2 readthrough; minus strand). Cytogenetic location: 11p15.5.
Variant type: single nucleotide variant.
Coding change: c.5G>A on transcript NM_000612.6 (MANE Select); coding-DNA position 5, G replaced by A.
Protein change: p.Gly2Glu; replaces glycine 2 with glutamic acid.
Molecular consequence: missense variant. On other transcripts: non-coding transcript variant (1).
Genome position (GRCh38, 1-based): chr11:2,135,519, C>T on the plus strand (G>A on the coding strand, the complement: IGF2 is on the minus strand). VCF-style: chr11-2135519-C-T. GRCh37 (hg19) VCF-style: chr11-2156749-C-T.
Other names: c.173G>A (NM_001127598.1); c.5G>A, p.Gly2Glu (NM_001007139.6, NM_001291861.3, NM_001291862.3); c.173G>A, p.Gly58Glu (NM_001127598.3); short protein forms G58E, G2E.
Identifiers: ClinVar variation 2989064 (VCV002989064.5), dbSNP rs781634507, ClinGen allele CA5817752.